The following is an entry in ClinVar:

NM_152594.3(SPRED1):c.28A>T (p.Asn10Tyr)

Gene: SPRED1 (sprouty related EVH1 domain containing 1; plus strand). Cytogenetic location: 15q14.
Variant type: single nucleotide variant.
Coding change: c.28A>T on transcript NM_152594.3 (MANE Select); coding-DNA position 28, A replaced by T.
Protein change: p.Asn10Tyr; replaces asparagine 10 with tyrosine.
Molecular consequence: missense variant.
Genome position (GRCh38, 1-based): chr15:38,253,213, A>T. VCF-style: chr15-38253213-A-T. GRCh37 (hg19) VCF-style: chr15-38545414-A-T.
Other names: short protein forms N10Y.
Identifiers: ClinVar variation 3448764 (VCV003448764.1).

ClinVar aggregate classification (germline): Uncertain significance (1 of 4 stars; one submission).

Conditions:
Cardiovascular phenotype. Identifiers: MedGen CN230736.

Submission:

Ambry Genetics
Classification: Uncertain significance for Cardiovascular phenotype. Last evaluated: 2024-10-17. Review status: criteria provided, single submitter. Criteria: Ambry Variant Classification Scheme 2023. Collection method: clinical testing. Allele origin: germline.
Comment: The p.N10Y variant (also known as c.28A>T), located in coding exon 1 of the SPRED1 gene, results from an A to T substitution at nucleotide position 28. The asparagine at codon 10 is replaced by tyrosine, an amino acid with dissimilar properties. This amino acid position is conserved. In addition, this alteration is predicted to be tolerated by in silico analysis. Based on the available evidence, the clinical significance of this variant remains unclear.